The following is an entry in ClinVar:

NM_000057.4(BLM):c.158C>T (p.Ser53Leu)

Gene: BLM (BLM RecQ like helicase; plus strand). Cytogenetic location: 15q26.1.
Variant type: single nucleotide variant.
Coding change: c.158C>T on transcript NM_000057.4 (MANE Select); coding-DNA position 158, C replaced by T.
Protein change: p.Ser53Leu; replaces serine 53 with leucine.
Molecular consequence: missense variant. On other transcripts: 5 prime UTR variant (1).
Genome position (GRCh38, 1-based): chr15:90,749,426, C>T. VCF-style: chr15-90749426-C-T. GRCh37 (hg19) VCF-style: chr15-91292656-C-T.
Other names: c.158C>T, p.Ser53Leu (NM_001287246.2, NM_001287247.2); c.-1134C>T (NM_001287248.2); short protein forms S53L.
Identifiers: ClinVar variation 1775884 (VCV001775884.2), dbSNP rs2505390394, ClinGen allele CA393839511.

ClinVar aggregate classification (germline): Uncertain significance (1 of 4 stars; one submission).

Conditions:
Hereditary cancer-predisposing syndrome. Also called: Neoplastic Syndromes, Hereditary; Tumor predisposition; Hereditary Cancer Syndrome; Hereditary neoplastic syndrome. Identifiers: Orphanet 140162, MedGen C0027672, MeSH D009386, MONDO:0015356.

Submission:

Ambry Genetics
Classification: Uncertain significance for Hereditary cancer-predisposing syndrome. Last evaluated: 2022-06-21. Review status: criteria provided, single submitter. Criteria: Ambry Variant Classification Scheme 2023. Collection method: clinical testing. Allele origin: germline.
Comment: The p.S53L variant (also known as c.158C>T), located in coding exon 2 of the BLM gene, results from a C to T substitution at nucleotide position 158. The serine at codon 53 is replaced by leucine, an amino acid with dissimilar properties. This amino acid position is conserved. In addition, this alteration is predicted to be tolerated by in silico analysis. Since supporting evidence is limited at this time, the clinical significance of this alteration remains unclear.